The following is an entry in ClinVar:

ClinVar aggregate classification (germline): Uncertain significance (1 of 4 stars; one submission).

Allele frequency attached by ClinVar (database versions not stated): gnomAD exomes below 0.00001; TOPMed below 0.00001.
gnomAD v4.1: 6 of 1,614,144 alleles (0.00037%); highest among the groups gnomAD compares: Non-Finnish European, 0.00034%; no homozygotes.

Submission:

Labcorp Genetics (formerly Invitae), Labcorp
Classification: Uncertain significance. Last evaluated: 2021-07-28. Review status: criteria provided, single submitter. Criteria: Invitae Variant Classification Sherloc (09022015). Collection method: clinical testing. Allele origin: germline.
Comment: Algorithms developed to predict the effect of missense changes on protein structure and function are either unavailable or do not agree on the potential impact of this missense change (SIFT: "Deleterious"; PolyPhen-2: "Probably Damaging"; Align-GVGD: "Class C0"). In summary, the available evidence is currently insufficient to determine the role of this variant in disease. Therefore, it has been classified as a Variant of Uncertain Significance. This variant has not been reported in the literature in individuals with ERMARD-related conditions. This variant is not present in population databases (ExAC no frequency). This sequence change replaces cysteine with phenylalanine at codon 525 of the ERMARD protein (p.Cys525Phe). The cysteine residue is highly conserved and there is a large physicochemical difference between cysteine and phenylalanine.

NM_018341.3(ERMARD):c.1574G>T (p.Cys525Phe)

Gene: ERMARD (ER membrane associated RNA degradation; plus strand). Cytogenetic location: 6q27.
Variant type: single nucleotide variant.
Coding change: c.1574G>T on transcript NM_018341.3 (MANE Select); coding-DNA position 1574, G replaced by T.
Protein change: p.Cys525Phe; replaces cysteine 525 with phenylalanine.
Molecular consequence: missense variant. On other transcripts: intron variant (2).
Genome position (GRCh38, 1-based): chr6:169,776,508, G>T. VCF-style: chr6-169776508-G-T. GRCh37 (hg19) VCF-style: chr6-170176604-G-T.
Other names: c.1196G>T, p.Cys399Phe (NM_001278532.2); c.1598+97G>T (NM_001278531.2); c.1520+443G>T (NM_001278533.2); short protein forms C399F, C525F.
Identifiers: ClinVar variation 1399057 (VCV001399057.9), dbSNP rs1562350489, ClinGen allele CA366504356.
Genomic context (GRCh38, chr6:169,776,508, plus strand): 5'-TTTGCAGGTGGCCCCAGCTTCTCCGTGAGCTCTGCAGCACACCTGTTCCCACCCTGTTCT[G>T]CCCCAGGATTGTGCTGGAAGTGCTGGTTGTGCTCCGAAGCATCAGCGAACAGTGCCGCCG-3'
Protein context (NP_060811.1, residues 515-535): LCSTPVPTLF[Cys525Phe]PRIVLEVLVV